The following is an entry in ClinVar:

NM_006031.6(PCNT):c.9752dup (p.Thr3252fs)

Gene: PCNT (pericentrin; plus strand). Cytogenetic location: 21q22.3.
Variant type: Duplication.
Coding change: c.9752dup on transcript NM_006031.6 (MANE Select); coding-DNA position 9752, one base duplicated (C; older notation c.9752dupC).
Protein change: p.Thr3252fs; shifts the reading frame from threonine 3252.
Molecular consequence: frameshift variant.
Genome position (GRCh38, 1-based): chr21:46,443,861, C duplicated; the last of 7 consecutive C bases (chr21:46,443,855-46,443,861); duplicating any one gives the same sequence. VCF-style (leftmost placement, unchanged base first): chr21-46443854-T-TC. GRCh37 (hg19) VCF-style: chr21-47863767-T-TC.
Other names: c.9752dup (NM_006031.5); c.9752dupC (NM_006031.5); c.9161dup, p.Thr3055fs (NM_001315529.2); short protein forms T3055fs, T3252fs.
Identifiers: ClinVar variation 2069128 (VCV002069128.5), dbSNP rs761527377, ClinGen allele CA10081457.

ClinVar aggregate classification (germline): Uncertain significance. Review status: criteria provided, multiple submitters, no conflicts (2 of 4 stars). 3 submissions from 3 submitters: Uncertain significance (2). 1 of the submissions does not count toward it. Last evaluated 2024-11-19.

Conditions:
PCNT-related disorder. Also called: PCNT-related condition.

Submissions (3):

Labcorp Genetics (formerly Invitae), Labcorp
Classification: Uncertain significance. Last evaluated: 2024-11-19. Review status: criteria provided, single submitter. Criteria: Invitae Variant Classification Sherloc (09022015). Collection method: clinical testing. Allele origin: germline.
Comment: This sequence change creates a premature translational stop signal (p.Thr3252Asnfs*84) in the PCNT gene. While this is not anticipated to result in nonsense mediated decay, it is expected to disrupt the last 85 amino acid(s) of the PCNT protein. This variant is present in population databases (rs761527377, gnomAD 0.01%). This variant has not been reported in the literature in individuals affected with PCNT-related conditions. ClinVar contains an entry for this variant (Variation ID: 2069128). Experimental studies and prediction algorithms are not available or were not evaluated, and the functional significance of this variant is currently unknown. In summary, the available evidence is currently insufficient to determine the role of this variant in disease. Therefore, it has been classified as a Variant of Uncertain Significance.

GeneDx
Classification: Uncertain significance. Last evaluated: 2022-09-16. Review status: criteria provided, single submitter. Criteria: GeneDx Variant Classification Process June 2021. Collection method: clinical testing. Allele origin: germline. Affected: yes.
Comment: Frameshift variant predicted to result in protein truncation as the last 85 amino acids are replaced with 83 different amino acids, although loss-of-function variants have not been reported downstream of this position in the protein; Not observed at significant frequency in large population cohorts (gnomAD); Has not been previously published as pathogenic or benign to our knowledge

PreventionGenetics, part of Exact Sciences
Classification: Uncertain significance for PCNT-related condition. Last evaluated: 2024-09-27. Review status: no assertion criteria provided. Collection method: clinical testing. Allele origin: germline. Not counted in ClinVar's aggregate classification.
Comment: The PCNT c.9752dupC variant is predicted to result in a frameshift and premature protein termination (p.Thr3252Asnfs*84). To our knowledge, this variant has not been reported in the literature. This variant is reported in 0.012% of alleles in individuals of African descent in gnomAD. Importantly, this variant is not predicted to undergo nonsense mediated decay and to our knowledge frameshift variants downstream of this variant have not been reported in affected individuals. At this time, the clinical significance of this variant is uncertain due to the absence of conclusive functional and genetic evidence.